The following is an entry in ClinVar:

NM_002485.5(NBN):c.532A>C (p.Thr178Pro)

Gene: NBN (nibrin; minus strand). Cytogenetic location: 8q21.3.
Variant type: single nucleotide variant.
Coding change: c.532A>C on transcript NM_002485.5 (MANE Select); coding-DNA position 532, A replaced by C.
Protein change: p.Thr178Pro; replaces threonine 178 with proline.
Molecular consequence: missense variant.
Genome position (GRCh38, 1-based): chr8:89,978,272, T>G on the plus strand (A>C on the coding strand, the complement: NBN is on the minus strand). VCF-style: chr8-89978272-T-G. GRCh37 (hg19) VCF-style: chr8-90990500-T-G.
Other names: c.286A>C, p.Thr96Pro (NM_001024688.3); short protein forms T96P, T178P.
Identifiers: ClinVar variation 2812453 (VCV002812453.3), dbSNP rs2129889032, ClinGen allele CA371660287.

ClinVar aggregate classification (germline): Uncertain significance (1 of 4 stars; one submission).

Conditions:
Microcephaly, normal intelligence and immunodeficiency (NBS). Also called: BERLIN BREAKAGE SYNDROME; Ataxia telangiectasia variant V1; Immunodeficiency, microcephaly with normal intelligence; IMMUNODEFICIENCY, MICROCEPHALY, AND CHROMOSOMAL INSTABILITY; SEEMANOVA SYNDROME II; Nijmegen breakage syndrome. Identifiers: Orphanet 647, MedGen C0398791, MONDO:0009623, OMIM 251260.

Submission:

Labcorp Genetics (formerly Invitae), Labcorp
Classification: Uncertain significance for Microcephaly, normal intelligence and immunodeficiency. Last evaluated: 2022-11-06. Review status: criteria provided, single submitter. Criteria: Invitae Variant Classification Sherloc (09022015). Collection method: clinical testing. Allele origin: germline.
Comment: In summary, the available evidence is currently insufficient to determine the role of this variant in disease. Therefore, it has been classified as a Variant of Uncertain Significance. Algorithms developed to predict the effect of missense changes on protein structure and function are either unavailable or do not agree on the potential impact of this missense change (SIFT: "Tolerated"; PolyPhen-2: "Possibly Damaging"; Align-GVGD: "Class C0"). This variant has not been reported in the literature in individuals affected with NBN-related conditions. This variant is not present in population databases (gnomAD no frequency). This sequence change replaces threonine, which is neutral and polar, with proline, which is neutral and non-polar, at codon 178 of the NBN protein (p.Thr178Pro).